The following is an entry in ClinVar:

NM_001039.4(SCNN1G):c.1278_1288del (p.Gln427fs)

Gene: SCNN1G (sodium channel epithelial 1 subunit gamma; plus strand). Cytogenetic location: 16p12.2.
Variant type: Deletion.
Coding change: c.1278_1288del on transcript NM_001039.4 (MANE Select); coding-DNA positions 1278 to 1288, 11 bases deleted (GCAGCACCCCA).
Protein change: p.Gln427fs; shifts the reading frame from glutamine 427.
Molecular consequence: frameshift variant.
Genome position (GRCh38, 1-based): chr16:23,212,135-23,212,145, GCAGCACCCCA deleted; deleting any 11 consecutive bases within chr16:23,212,132-23,212,145 gives the same sequence; the c. name uses the placement nearest the transcript's 3' end. VCF-style (leftmost placement, unchanged base first): chr16-23212131-ACCAGCAGCACC-A. GRCh37 (hg19) VCF-style: chr16-23223452-ACCAGCAGCACC-A.
Other names: c.1278_1288delGCAGCACCCCA (NM_001039.3); short protein forms Q427fs.
Identifiers: ClinVar variation 817697 (VCV000817697.2), dbSNP rs1596777509, ClinGen allele CA915949130.
Genomic context (GRCh38, chr16:23,212,131, plus strand): 5'-AGAAATGTGGGTGTGCCCAGTACAGCCAGCCTCTACCTCCTGCAGCCAACTACTGCAACT[ACCAGCAGCACC>A]CCAACTGGAGTGAGTGAGACCCAGCTCCAGCCTTGCATGCCCCAGGACCAGGGTCAGCCT-3'

ClinVar aggregate classification (germline): Likely pathogenic (1 of 4 stars; one submission).

Submission:

GeneDx
Classification: Likely pathogenic. Last evaluated: 2020-07-20. Review status: criteria provided, single submitter. Criteria: GeneDx Variant Classification Process June 2021. Collection method: clinical testing. Allele origin: germline. Affected: yes.
Comment: Frameshift variant predicted to result in protein truncation or nonsense mediated decay in a gene for which loss-of-function is a known mechanism of disease; Not observed in large population cohorts (Lek et al., 2016); Has not been previously published as pathogenic or benign to our knowledge